The following is an entry in ClinVar:

NM_004360.5(CDH1):c.1344G>C (p.Gln448His)

Gene: CDH1 (cadherin 1; plus strand). Cytogenetic location: 16q22.1.
Variant type: single nucleotide variant.
Coding change: c.1344G>C on transcript NM_004360.5 (MANE Select); coding-DNA position 1344, G replaced by C.
Protein change: p.Gln448His; replaces glutamine 448 with histidine.
Molecular consequence: missense variant. On other transcripts: 5 prime UTR variant (2).
Genome position (GRCh38, 1-based): chr16:68,815,538, G>C. VCF-style: chr16-68815538-G-C. GRCh37 (hg19) VCF-style: chr16-68849441-G-C.
Other names: c.1161G>C, p.Gln387His (NM_001317184.2); c.-205G>C (NM_001317185.2); c.-476G>C (NM_001317186.2); short protein forms Q387H, Q448H.
Identifiers: ClinVar variation 3727136 (VCV003727136.2).

ClinVar aggregate classification (germline): Uncertain significance (1 of 4 stars; one submission).

Conditions:
Hereditary diffuse gastric adenocarcinoma (HDGC). Also called: DIFFUSE GASTRIC AND LOBULAR BREAST CANCER SYNDROME. Identifiers: Orphanet 26106, MedGen C1708349, MONDO:0007648, OMIM 137215.

Submission:

Labcorp Genetics (formerly Invitae), Labcorp
Classification: Uncertain significance for Hereditary diffuse gastric adenocarcinoma. Last evaluated: 2024-12-12. Review status: criteria provided, single submitter. Criteria: Invitae Variant Classification Sherloc (09022015). Collection method: clinical testing. Allele origin: germline.
Comment: This sequence change replaces glutamine, which is neutral and polar, with histidine, which is basic and polar, at codon 448 of the CDH1 protein (p.Gln448His). This variant is not present in population databases (gnomAD no frequency). This variant has not been reported in the literature in individuals affected with CDH1-related conditions. An algorithm developed to predict the effect of missense changes on protein structure and function (PolyPhen-2) suggests that this variant is likely to be disruptive. In summary, the available evidence is currently insufficient to determine the role of this variant in disease. Therefore, it has been classified as a Variant of Uncertain Significance.